The following is an entry in ClinVar:

NM_006231.4(POLE):c.4051G>C (p.Val1351Leu)

Gene: POLE (DNA polymerase epsilon, catalytic subunit; minus strand). Cytogenetic location: 12q24.33.
Variant type: single nucleotide variant.
Coding change: c.4051G>C on transcript NM_006231.4 (MANE Select); coding-DNA position 4051, G replaced by C.
Protein change: p.Val1351Leu; replaces valine 1351 with leucine.
Molecular consequence: missense variant.
Genome position (GRCh38, 1-based): chr12:132,649,027, C>G on the plus strand (G>C on the coding strand, the complement: POLE is on the minus strand). VCF-style: chr12-132649027-C-G. GRCh37 (hg19) VCF-style: chr12-133225613-C-G.
Other names: c.4051G>C (NM_006231.2); short protein forms V1351L.
Identifiers: ClinVar variation 1426790 (VCV001426790.9), dbSNP rs138443282, ClinGen allele CA387383893.

ClinVar aggregate classification (germline): Conflicting classifications of pathogenicity. Review status: criteria provided, conflicting classifications (1 of 4 stars). 2 submissions from 2 submitters: Uncertain significance (1); Likely benign (1). Last evaluated 2026-01-21.

Conditions:
Hereditary cancer-predisposing syndrome. Also called: Tumor predisposition; Hereditary neoplastic syndrome; Neoplastic Syndromes, Hereditary; Hereditary Cancer Syndrome. Identifiers: Orphanet 140162, MedGen C0027672, MeSH D009386, MONDO:0015356.

gnomAD v4.1: 2 of 1,613,754 alleles (0.00012%); highest among the groups gnomAD compares: Non-Finnish European, 0.00017%; no homozygotes.

Submissions (2):

Labcorp Genetics (formerly Invitae), Labcorp
Classification: Uncertain significance. Last evaluated: 2026-01-21. Review status: criteria provided, single submitter. Criteria: Invitae Variant Classification Sherloc (09022015). Collection method: clinical testing. Allele origin: germline.
Comment: This sequence change replaces valine, which is neutral and non-polar, with leucine, which is neutral and non-polar, at codon 1351 of the POLE protein (p.Val1351Leu). This variant is present in population databases (no rsID available, gnomAD 0.0009%). This variant has not been reported in the literature in individuals affected with POLE-related conditions. ClinVar contains an entry for this variant (Variation ID: 1426790). Invitae Evidence Modeling of protein sequence and biophysical properties (such as structural, functional, and spatial information, amino acid conservation, physicochemical variation, residue mobility, and thermodynamic stability) indicates that this missense variant is not expected to disrupt POLE protein function with a negative predictive value of 80%. In summary, the available evidence is currently insufficient to determine the role of this variant in disease. Therefore, it has been classified as a Variant of Uncertain Significance.

Ambry Genetics
Classification: Likely benign for Hereditary cancer-predisposing syndrome. Last evaluated: 2025-05-13. Review status: criteria provided, single submitter. Criteria: Ambry Variant Classification Scheme 2023. Collection method: clinical testing. Allele origin: germline.